The following is an entry in ClinVar:

NM_006269.2(RP1):c.3609G>A (p.Met1203Ile)

Gene: RP1 (RP1 axonemal microtubule associated; plus strand). Cytogenetic location: 8q12.1.
Variant type: single nucleotide variant.
Coding change: c.3609G>A on transcript NM_006269.2 (MANE Select); coding-DNA position 3609, G replaced by A.
Protein change: p.Met1203Ile; replaces methionine 1203 with isoleucine.
Molecular consequence: missense variant. On other transcripts: intron variant (1).
Genome position (GRCh38, 1-based): chr8:54,627,491, G>A. VCF-style: chr8-54627491-G-A. GRCh37 (hg19) VCF-style: chr8-55540051-G-A.
Other names: c.787+5203G>A (NM_001375654.1); short protein forms M1203I.
Identifiers: ClinVar variation 2110831 (VCV002110831.4), dbSNP rs765891665, ClinGen allele CA4751718.

ClinVar aggregate classification (germline): Uncertain significance (1 of 4 stars; one submission).

Allele frequency attached by ClinVar (database versions not stated): gnomAD exomes 0.00001; TOPMed 0.00001; ExAC 0.00005; gnomAD 0.00005.

Submission:

Labcorp Genetics (formerly Invitae), Labcorp
Classification: Uncertain significance. Last evaluated: 2024-02-26. Review status: criteria provided, single submitter. Criteria: Invitae Variant Classification Sherloc (09022015). Collection method: clinical testing. Allele origin: germline.
Comment: This sequence change replaces methionine, which is neutral and non-polar, with isoleucine, which is neutral and non-polar, at codon 1203 of the RP1 protein (p.Met1203Ile). This variant is present in population databases (rs765891665, gnomAD 0.006%). This variant has not been reported in the literature in individuals affected with RP1-related conditions. ClinVar contains an entry for this variant (Variation ID: 2110831). Algorithms developed to predict the effect of missense changes on protein structure and function output the following: SIFT: "Not Available"; PolyPhen-2: "Benign"; Align-GVGD: "Not Available". The isoleucine amino acid residue is found in multiple mammalian species, which suggests that this missense change does not adversely affect protein function. In summary, the available evidence is currently insufficient to determine the role of this variant in disease. Therefore, it has been classified as a Variant of Uncertain Significance.